The following is an entry in ClinVar:

ClinVar aggregate classification (germline): Uncertain significance (1 of 4 stars; one submission).

Conditions:
Neuropathy, hereditary sensory, type 1F. Also called: HSN IF; Hereditary sensory neuropathy type IF. Identifiers: Orphanet 36386, MedGen C3810194, MONDO:0014286, OMIM 615632.

Allele frequency attached by ClinVar (database versions not stated): gnomAD exomes below 0.00001; gnomAD 0.00001; TOPMed 0.00001.
gnomAD v4.1: 4 of 1,603,446 alleles (0.00025%); highest among the groups gnomAD compares: African/African-American, 0.0054%; no homozygotes.

Submission:

Labcorp Genetics (formerly Invitae), Labcorp
Classification: Uncertain significance for Neuropathy, hereditary sensory, type 1F. Last evaluated: 2022-08-24. Review status: criteria provided, single submitter. Criteria: Invitae Variant Classification Sherloc (09022015). Collection method: clinical testing. Allele origin: germline.
Comment: This variant is present in population databases (no rsID available, gnomAD 0.007%). In summary, the available evidence is currently insufficient to determine the role of this variant in disease. Therefore, it has been classified as a Variant of Uncertain Significance. Algorithms developed to predict the effect of missense changes on protein structure and function are either unavailable or do not agree on the potential impact of this missense change (SIFT: "Tolerated"; PolyPhen-2: "Probably Damaging"; Align-GVGD: "Class C0"). This variant has not been reported in the literature in individuals affected with ATL3-related conditions. This sequence change replaces lysine, which is basic and polar, with arginine, which is basic and polar, at codon 130 of the ATL3 protein (p.Lys130Arg).

NM_015459.5(ATL3):c.389A>G (p.Lys130Arg)

Genes: ATL3 (atlastin GTPase 3; minus strand), LNCROPM (lncRNA regulator of PLAAT3 mediated phospholipid metabolism; plus strand). Cytogenetic location: 11q13.1.
Variant type: single nucleotide variant.
Coding change: c.389A>G on transcript NM_015459.5 (MANE Select); coding-DNA position 389, A replaced by G.
Protein change: p.Lys130Arg; replaces lysine 130 with arginine.
Molecular consequence: missense variant.
Genome position (GRCh38, 1-based): chr11:63,658,777, T>C on the plus strand (A>G on the coding strand, the complement: ATL3 is on the minus strand). VCF-style: chr11-63658777-T-C. GRCh37 (hg19) VCF-style: chr11-63426249-T-C.
Other names: c.335A>G, p.Lys112Arg (NM_001290048.2); short protein forms K112R, K130R.
Identifiers: ClinVar variation 1900854 (VCV001900854.5), dbSNP rs1284722465, ClinGen allele CA381029967.